The following is an entry in ClinVar:

ClinVar aggregate classification (germline): Uncertain significance. Review status: reviewed by expert panel (3 of 4 stars). 3 submissions from 3 submitters: Uncertain significance (1). 2 of the submissions do not count toward it. Last evaluated 2024-12-05.

Conditions:
Mucopolysaccharidosis type 1. Also called: IDUA deficiency; MPS I; Mucopolysaccharidosis Type I. Identifiers: Orphanet 579, MedGen C0023786, MONDO:0001586.

Submissions (3):

ClinGen Lysosomal Storage Disorder Variant Curation Expert Panel
Classification: Uncertain significance for Mucopolysaccharidosis type 1. Last evaluated: 2024-12-05. Review status: reviewed by expert panel. Criteria: ClinGen LSD ACMG Specifications IDUA V1.0.0. Collection method: curation. Allele origin: germline. Inheritance: Autosomal recessive inheritance.
Comment: The NM_000203.5:c.1091C>A variant in IDUA is a missense variant predicted to cause substitution of threonine by lysine at amino acid 364 (p.Thr364Lys). To our knowledge, this variant has not been reported in the literature in any individuals with MPS I, and no results of functional assays are available. This variant is absent in gnomAD v4.1.0.0 (PM2_Supporting). The computational predictor REVEL gives a score of 0.898 which is above the threshold of 0.773, evidence that correlates with impact to IDUA function at the moderate level based on the specifications of the ClinGen Lysosomal Diseases VCEP (PMID: 36413997; PP3_Moderate). Another missense variant c.1091C>T (p.Thr364Met) (ClinVar Variation ID: 11925) in the same codon has been classified as pathogenic for MPS I by the ClinGen Lysosomal Diseases VCEP (PM5). In summary, this variant meets the criteria to be classified as a VUS for MPS I based on the IDUA-specific ACMG/AMP criteria applied, as specified by the ClinGen Lysosomal Diseases Variant Curation Expert panel (Specifications Version 1.0.0): PM2_Supporting, PP3_Moderate, PM5. (Classification approved by the ClinGen Lysosomal Diseases Variant Curation Expert Panel on December 5, 2024)

Revvity Omics, Revvity
Classification: Uncertain significance. Last evaluated: 2024-06-04. Review status: criteria provided, single submitter. Criteria: ACMG Guidelines, 2015. Collection method: clinical testing. Allele origin: germline. Not counted in ClinVar's aggregate classification.

Labcorp Genetics (formerly Invitae), Labcorp
Classification: Likely pathogenic for Mucopolysaccharidosis type 1. Last evaluated: 2023-06-17. Review status: criteria provided, single submitter. Criteria: Invitae Variant Classification Sherloc (09022015). Collection method: clinical testing. Allele origin: germline. Not counted in ClinVar's aggregate classification.
Comment: In summary, the currently available evidence indicates that the variant is pathogenic, but additional data are needed to prove that conclusively. Therefore, this variant has been classified as Likely Pathogenic. This variant disrupts the p.Thr364 amino acid residue in IDUA. Other variant(s) that disrupt this residue have been determined to be pathogenic (PMID: 9391892, 10466419, 16435211, 29801497). This suggests that this residue is clinically significant, and that variants that disrupt this residue are likely to be disease-causing. Advanced modeling of protein sequence and biophysical properties (such as structural, functional, and spatial information, amino acid conservation, physicochemical variation, residue mobility, and thermodynamic stability) performed at Invitae indicates that this missense variant is expected to disrupt IDUA protein function. This variant has not been reported in the literature in individuals affected with IDUA-related conditions. This variant is not present in population databases (gnomAD no frequency). This sequence change replaces threonine, which is neutral and polar, with lysine, which is basic and polar, at codon 364 of the IDUA protein (p.Thr364Lys).

Literature cited by the submitters: PubMed 9391892 (cited by Labcorp Genetics (formerly Invitae), Labcorp); PubMed 10466419 (cited by Labcorp Genetics (formerly Invitae), Labcorp); PubMed 16435211 (cited by Labcorp Genetics (formerly Invitae), Labcorp); PubMed 29801497 (cited by Labcorp Genetics (formerly Invitae), Labcorp).

NM_000203.5(IDUA):c.1091C>A (p.Thr364Lys)

Gene: IDUA (alpha-L-iduronidase; plus strand). Cytogenetic location: 4p16.3.
Variant type: single nucleotide variant.
Coding change: c.1091C>A on transcript NM_000203.5 (MANE Select); coding-DNA position 1091, C replaced by A.
Protein change: p.Thr364Lys; replaces threonine 364 with lysine.
Molecular consequence: missense variant. On other transcripts: non-coding transcript variant (1).
Genome position (GRCh38, 1-based): chr4:1,002,387, C>A. VCF-style: chr4-1002387-C-A. GRCh37 (hg19) VCF-style: chr4-996175-C-A.
Other names: NM_000203.5(IDUA):c.1091C>A; p.Thr364Lys; c.695C>A, p.Thr232Lys (NM_001363576.1); short protein forms T232K, T364K.
Identifiers: ClinVar variation 2961353 (VCV002961353.5), dbSNP rs121965032, ClinGen allele CA355963315.